The following is an entry in ClinVar:

ClinVar aggregate classification (germline): Uncertain significance. Review status: criteria provided, multiple submitters, no conflicts (2 of 4 stars). 2 submissions from 2 submitters: Uncertain significance (2). Last evaluated 2024-03-29.

Conditions:
Primary ciliary dyskinesia. Also called: Ciliary dyskinesia. Identifiers: Orphanet 244, MedGen C0008780, MONDO:0016575, HP:0012265.

Allele frequency attached by ClinVar (database versions not stated): ExAC 0.00002; gnomAD 0.00002; gnomAD exomes 0.00002; TOPMed 0.00007.
gnomAD v4.1: 12 of 1,614,008 alleles (0.00074%); highest among the groups gnomAD compares: Admixed American, 0.0067%; no homozygotes.

Submissions (2):

Ambry Genetics
Classification: Uncertain significance for Primary ciliary dyskinesia. Last evaluated: 2024-03-29. Review status: criteria provided, single submitter. Criteria: Ambry Variant Classification Scheme 2023. Collection method: clinical testing. Allele origin: germline.

Labcorp Genetics (formerly Invitae), Labcorp
Classification: Uncertain significance for Primary ciliary dyskinesia. Last evaluated: 2022-09-12. Review status: criteria provided, single submitter. Criteria: Invitae Variant Classification Sherloc (09022015). Collection method: clinical testing. Allele origin: germline.
Comment: This sequence change replaces isoleucine, which is neutral and non-polar, with threonine, which is neutral and polar, at codon 4060 of the DNAH5 protein (p.Ile4060Thr). This variant is present in population databases (rs774876738, gnomAD 0.003%). This variant has not been reported in the literature in individuals affected with DNAH5-related conditions. Advanced modeling of protein sequence and biophysical properties (such as structural, functional, and spatial information, amino acid conservation, physicochemical variation, residue mobility, and thermodynamic stability) performed at Invitae indicates that this missense variant is not expected to disrupt DNAH5 protein function. In summary, the available evidence is currently insufficient to determine the role of this variant in disease. Therefore, it has been classified as a Variant of Uncertain Significance.

NM_001369.3(DNAH5):c.12179T>C (p.Ile4060Thr)

Gene: DNAH5 (dynein axonemal heavy chain 5; minus strand). Cytogenetic location: 5p15.2.
Variant type: single nucleotide variant.
Coding change: c.12179T>C on transcript NM_001369.3 (MANE Select); coding-DNA position 12179, T replaced by C.
Protein change: p.Ile4060Thr; replaces isoleucine 4060 with threonine.
Molecular consequence: missense variant.
Genome position (GRCh38, 1-based): chr5:13,721,100, A>G on the plus strand (T>C on the coding strand, the complement: DNAH5 is on the minus strand). VCF-style: chr5-13721100-A-G. GRCh37 (hg19) VCF-style: chr5-13721209-A-G.
Other names: c.12179T>C (NM_001369.2); short protein forms I4060T.
Identifiers: ClinVar variation 2147586 (VCV002147586.2), dbSNP rs774876738, ClinGen allele CA3201717.